The following is an entry in ClinVar:

NM_001282684.2(KCTD17):c.770C>T (p.Pro257Leu)

Gene: KCTD17 (potassium channel tetramerization domain containing 17; plus strand). Cytogenetic location: 22q12.3.
Variant type: single nucleotide variant.
Coding change: c.770C>T on transcript NM_001282684.2 (MANE Select); coding-DNA position 770, C replaced by T.
Protein change: p.Pro257Leu; replaces proline 257 with leucine.
Molecular consequence: missense variant. On other transcripts: intron variant (3).
Genome position (GRCh38, 1-based): chr22:37,061,161, C>T. VCF-style: chr22-37061161-C-T. GRCh37 (hg19) VCF-style: chr22-37457201-C-T.
Other names: c.712+239C>T (NM_024681.4); c.613-378C>T (NM_001282685.2); c.613-1364C>T (NM_001282686.2); short protein forms P257L.
Identifiers: ClinVar variation 2107504 (VCV002107504.4), dbSNP rs752142758, ClinGen allele CA10215130.

ClinVar aggregate classification (germline): Uncertain significance (1 of 4 stars; one submission).

Conditions:
Myoclonic dystonia 26. Identifiers: MedGen C4225341, MONDO:0014620, OMIM 616398.

Allele frequency attached by ClinVar (database versions not stated): gnomAD 0.00001; TOPMed 0.00003; ExAC 0.00012.
gnomAD v4.1: 14 of 1,550,908 alleles (0.0009%); highest among the groups gnomAD compares: Admixed American, 0.0078%; no homozygotes.

Submission:

Labcorp Genetics (formerly Invitae), Labcorp
Classification: Uncertain significance for Myoclonic dystonia 26. Last evaluated: 2024-11-11. Review status: criteria provided, single submitter. Criteria: Invitae Variant Classification Sherloc (09022015). Collection method: clinical testing. Allele origin: germline.
Comment: This sequence change replaces proline, which is neutral and non-polar, with leucine, which is neutral and non-polar, at codon 264 of the KCTD17 protein (p.Pro264Leu). This variant is present in population databases (rs752142758, gnomAD 0.01%). This variant has not been reported in the literature in individuals affected with KCTD17-related conditions. ClinVar contains an entry for this variant (Variation ID: 2107504). An algorithm developed to predict the effect of missense changes on protein structure and function (PolyPhen-2) suggests that this variant is likely to be tolerated. In summary, the available evidence is currently insufficient to determine the role of this variant in disease. Therefore, it has been classified as a Variant of Uncertain Significance.